The following is an entry in ClinVar:

NM_182914.3(SYNE2):c.20435C>G (p.Pro6812Arg)

Gene: SYNE2 (spectrin repeat containing nuclear envelope protein 2; plus strand). Cytogenetic location: 14q23.2.
Variant type: single nucleotide variant.
Coding change: c.20435C>G on transcript NM_182914.3 (MANE Select); coding-DNA position 20435, C replaced by G.
Protein change: p.Pro6812Arg; replaces proline 6812 with arginine.
Molecular consequence: missense variant.
Genome position (GRCh38, 1-based): chr14:64,224,513, C>G. VCF-style: chr14-64224513-C-G. GRCh37 (hg19) VCF-style: chr14-64691231-C-G.
Other names: c.20435C>G (NM_182914.2); c.20366C>G, p.Pro6789Arg (NM_015180.6); c.1001C>G, p.Pro334Arg (NM_182910.2); c.1379C>G, p.Pro460Arg (NM_182913.4); short protein forms P460R, P334R, P6812R, P6789R.
Identifiers: ClinVar variation 1450781 (VCV001450781.4), dbSNP rs749898798, ClinGen allele CA7224863.
Genomic context (GRCh38, chr14:64,224,513, plus strand): 5'-AATTTCAGAACCCAGCCTCACCCCTGCCCAGCTTCGACGAGGTAGACTCGGGGGACCAGC[C>G]TCCTGCAACATCCGTGCCAGCTCCCCGAGCAAAGGTAAGAAGCCCCTTCCTTCTGTGAGA-3'
Protein context (NP_878918.2, residues 6802-6822): SFDEVDSGDQ[Pro6812Arg]PATSVPAPRA

ClinVar aggregate classification (germline): Uncertain significance. Review status: criteria provided, multiple submitters, no conflicts (2 of 4 stars). 2 submissions from 2 submitters: Uncertain significance (2). Last evaluated 2022-12-28.

Conditions:
Emery-Dreifuss muscular dystrophy 5, autosomal dominant (EDMD5). Also called: EMERY-DREIFUSS MUSCULAR DYSTROPHY 5. Identifiers: Orphanet 261, MedGen C2751805, MONDO:0013072, OMIM 612999.

Allele frequency attached by ClinVar (database versions not stated): gnomAD exomes 0.00001; ExAC 0.00002.
gnomAD v4.1: 14 of 1,614,142 alleles (0.00087%); highest among the groups gnomAD compares: Non-Finnish European, 0.0012%; no homozygotes.

Submissions (2):

Ambry Genetics
Classification: Uncertain significance. Last evaluated: 2022-12-28. Review status: criteria provided, single submitter. Criteria: Ambry Variant Classification Scheme 2023. Collection method: clinical testing. Allele origin: germline.

Labcorp Genetics (formerly Invitae), Labcorp
Classification: Uncertain significance for Emery-Dreifuss muscular dystrophy 5, autosomal dominant. Last evaluated: 2022-01-21. Review status: criteria provided, single submitter. Criteria: Invitae Variant Classification Sherloc (09022015). Collection method: clinical testing. Allele origin: germline.
Comment: This sequence change replaces proline, which is neutral and non-polar, with arginine, which is basic and polar, at codon 6812 of the SYNE2 protein (p.Pro6812Arg). This variant is present in population databases (rs749898798, gnomAD 0.003%). This variant has not been reported in the literature in individuals affected with SYNE2-related conditions. Algorithms developed to predict the effect of missense changes on protein structure and function are either unavailable or do not agree on the potential impact of this missense change (SIFT: "Tolerated"; PolyPhen-2: "Possibly Damaging"; Align-GVGD: "Class C0"). In summary, the available evidence is currently insufficient to determine the role of this variant in disease. Therefore, it has been classified as a Variant of Uncertain Significance.